The following is an entry in ClinVar:

NM_032188.3(KAT8):c.1312+50A>G

Gene: KAT8 (lysine acetyltransferase 8; plus strand). Cytogenetic location: 16p11.2.
Variant type: single nucleotide variant.
Coding change: c.1312+50A>G on transcript NM_032188.3 (MANE Select); 50 bases into the intron after coding-DNA position 1312, A replaced by G.
Molecular consequence: intron variant. On other transcripts: missense variant (1).
Genome position (GRCh38, 1-based): chr16:31,130,950, A>G. VCF-style: chr16-31130950-A-G. GRCh37 (hg19) VCF-style: chr16-31142271-A-G.
Other names: NC_000016.9:g.31142271A>G; c.1362A>G, p.Ile454Met (NM_182958.4); short protein forms I454M.
Identifiers: ClinVar variation 3059838 (VCV003059838.3), dbSNP rs17855606, ClinGen allele CA8022188.

ClinVar aggregate classification (germline): Benign (0 of 4 stars; one submission).

Conditions:
KAT8-related disorder. Also called: KAT8-related condition.

Allele frequency attached by ClinVar (database versions not stated): 1000 Genomes Project 30x 0.11633; 1000 Genomes Project 0.11661; TOPMed 0.21057; gnomAD 0.22595; ESP Exome Variant Server 0.23248; ExAC 0.30880; gnomAD exomes 0.30904.
gnomAD v4.1: 474,128 of 1,581,586 alleles (30%); highest among the groups gnomAD compares: Non-Finnish European, 35%; 78,853 homozygotes.

Submissions (11):

PreventionGenetics, part of Exact Sciences
Classification: Benign for KAT8-related condition. Last evaluated: 2021-10-27. Review status: no assertion criteria provided. Collection method: clinical testing. Allele origin: germline.
Comment: This variant is classified as benign based on ACMG/AMP sequence variant interpretation guidelines (Richards et al. 2015 PMID: 25741868, with internal and published modifications).

Dr. Peter K. Rogan Lab, Western University
No classification provided (evidence only). Condition: Malignant lymphoma, large B-cell, diffuse. Review status: no classification provided. Collection method: in vitro. Allele origin: not applicable. Functional consequence: skipped exon, retained intron. Not counted in ClinVar's aggregate classification.

Dr. Peter K. Rogan Lab, Western University
No classification provided (evidence only). Condition: Malignant lymphoma, large B-cell, diffuse. Review status: no classification provided. Collection method: in vitro. Allele origin: not applicable. Functional consequence: retained intron. Not counted in ClinVar's aggregate classification.

Dr. Peter K. Rogan Lab, Western University
No classification provided (evidence only). Condition: Malignant lymphoma, large B-cell, diffuse. Review status: no classification provided. Collection method: in vitro. Allele origin: not applicable. Functional consequence: skipped exon. Not counted in ClinVar's aggregate classification.

Dr. Peter K. Rogan Lab, Western University
No classification provided (evidence only). Condition: Adrenocortical carcinoma, hereditary. Review status: no classification provided. Collection method: in vitro. Allele origin: not applicable. Functional consequence: retained intron. Not counted in ClinVar's aggregate classification.

Dr. Peter K. Rogan Lab, Western University
No classification provided (evidence only). Condition: Adrenocortical carcinoma, hereditary. Review status: no classification provided. Collection method: in vitro. Allele origin: not applicable. Functional consequence: retained intron. Not counted in ClinVar's aggregate classification.

Dr. Peter K. Rogan Lab, Western University
No classification provided (evidence only). Condition: Adrenocortical carcinoma, hereditary. Review status: no classification provided. Collection method: in vitro. Allele origin: not applicable. Functional consequence: retained intron. Not counted in ClinVar's aggregate classification.

Dr. Peter K. Rogan Lab, Western University
No classification provided (evidence only). Condition: Adrenocortical carcinoma, hereditary. Review status: no classification provided. Collection method: in vitro. Allele origin: not applicable. Functional consequence: skipped exon, retained intron. Not counted in ClinVar's aggregate classification.

Dr. Peter K. Rogan Lab, Western University
No classification provided (evidence only). Condition: Adrenocortical carcinoma, hereditary. Review status: no classification provided. Collection method: in vitro. Allele origin: not applicable. Functional consequence: skipped exon. Not counted in ClinVar's aggregate classification.

Dr. Peter K. Rogan Lab, Western University
No classification provided (evidence only). Condition: Adrenocortical carcinoma, hereditary. Review status: no classification provided. Collection method: in vitro. Allele origin: not applicable. Functional consequence: skipped exon, retained intron. Not counted in ClinVar's aggregate classification.

Dr. Peter K. Rogan Lab, Western University
No classification provided (evidence only). Condition: Uveal melanoma. Review status: no classification provided. Collection method: in vitro. Allele origin: not applicable. Functional consequence: skipped exon. Not counted in ClinVar's aggregate classification.